The following is an entry in ClinVar:

NM_018006.5(TRMU):c.954dup (p.Ala319fs)

Gene: TRMU (tRNA mitochondrial 2-thiouridylase; plus strand). Cytogenetic location: 22q13.31.
Variant type: Duplication.
Coding change: c.954dup on transcript NM_018006.5 (MANE Select); coding-DNA position 954, one base duplicated (C; older notation c.954dupC).
Protein change: p.Ala319fs; shifts the reading frame from alanine 319.
Molecular consequence: frameshift variant. On other transcripts: non-coding transcript variant (2).
Genome position (GRCh38, 1-based): chr22:46,355,524, C duplicated; the last of 3 consecutive C bases (chr22:46,355,522-46,355,524); duplicating any one gives the same sequence. VCF-style (leftmost placement, unchanged base first): chr22-46355521-T-TC. GRCh37 (hg19) VCF-style: chr22-46751418-T-TC.
Other names: c.612dup, p.Ala205fs (NM_001282782.2); c.534dup, p.Ala179fs (NM_001282783.2, NM_001282784.2); c.954dup, p.Ala319fs (NM_001282785.2); c.954dup (NM_018006.4); short protein forms A179fs, A205fs, A319fs.
Identifiers: ClinVar variation 215294 (VCV000215294.6), dbSNP rs863224242, ClinGen allele CA321647.

ClinVar aggregate classification (germline): Conflicting classifications of pathogenicity. Review status: criteria provided, conflicting classifications (1 of 4 stars). 5 submissions from 5 submitters: Pathogenic (3); Likely pathogenic (1); Uncertain significance (1). Last evaluated 2025-09-22.

Conditions:
Acute infantile liver failure due to synthesis defect of mtDNA-encoded proteins. Also called: Liver failure acute infantile; LIVER FAILURE, INFANTILE, TRANSIENT; TRMU Deficiency. Identifiers: Orphanet 217371, MedGen C3278664, MONDO:0013111, OMIM 613070.
Aminoglycoside-induced deafness. Also called: DEAFNESS, STREPTOMYCIN-INDUCED; STREPTOMYCIN OTOTOXICITY; MT-RNR1-Related Hearing Loss and Deafness. Identifiers: Orphanet 168609, MedGen C1838854, MONDO:0010799, OMIM 580000.

Submissions (5):

Natera, Inc.
Classification: Likely pathogenic for Acute infantile liver failure due to synthesis defect of mtDNA-encoded proteins. Last evaluated: 2025-09-22. Review status: criteria provided, single submitter. Criteria: Natera Variant Classification Schema (03/2026). Collection method: clinical testing. Allele origin: germline.
Comment: The c.954dup variant in TRMU is a frameshift variant predicted to shift the reading frame beginning at codon 319 and leads to a stop codon 87 codons downstream. This variant is expected to result in nonsense mediated decay, truncation, or a dysfunctional protein product. The frequency of this variant in the general population is greater than expected for disorder. This variant has been observed in one or more individuals affected with the associated recessive disease, as either homozygous or compound heterozygous with a second variant (PMID: 37272928). Given the available evidence, this variant is classified as Likely Pathogenic.

Baylor Genetics
Classification: Pathogenic for Aminoglycoside-induced deafness. Last evaluated: 2023-06-26. Review status: criteria provided, single submitter. Criteria: ACMG Guidelines, 2015. Collection method: clinical testing. Allele origin: unknown.

Labcorp Genetics (formerly Invitae), Labcorp
Classification: Uncertain significance. Last evaluated: 2022-09-13. Review status: criteria provided, single submitter. Criteria: Invitae Variant Classification Sherloc (09022015). Collection method: clinical testing. Allele origin: germline.
Comment: This sequence change creates a premature translational stop signal (p.Ala319Argfs*87) in the TRMU gene. While this is not anticipated to result in nonsense mediated decay, it is expected to disrupt the last 103 amino acid(s) of the TRMU protein. This variant is present in population databases (rs761538607, gnomAD 0.04%). This premature translational stop signal has been observed in individual(s) with TRMU-related conditions (PMID: 26633542). ClinVar contains an entry for this variant (Variation ID: 215294). Experimental studies and prediction algorithms are not available or were not evaluated, and the functional significance of this variant is currently unknown. In summary, the available evidence is currently insufficient to determine the role of this variant in disease. Therefore, it has been classified as a Variant of Uncertain Significance.

Institute of Human Genetics Munich, TUM University Hospital
Classification: Pathogenic for Acute infantile liver failure due to synthesis defect of mtDNA-encoded proteins. Last evaluated: 2017-11-08. Review status: criteria provided, single submitter. Criteria: Classification criteria August 2017. Collection method: clinical testing. Allele origin: germline. Inheritance: Autosomal recessive inheritance. Affected: yes. Observed: 1 homozygote.

GeneDx
Classification: Pathogenic. Last evaluated: 2014-04-29. Review status: criteria provided, single submitter. Criteria: GeneDx Variant Classification (06012015). Collection method: clinical testing. Allele origin: germline. Affected: yes.
Comment: c.954dupC: p.Ala319ArgfsX87 in exon 9 of the TRMU gene (NM_018006.4). The c.954dupC mutation in the TRMU gene causes a frameshift starting with codon Alanine 319, changes this amino acid to a Arginine residue and creates a premature Stop codon at position 87 of the new reading frame and replaces the last 103 amino acids with 86 incorrect amino acids, denoted p.Ala319ArgfsX87. This mutation is predicted to cause loss of normal protein function. The variant is found in TRMU panel(s).

Literature cited by the submitters: PubMed 37272928 (cited by Natera, Inc.); PubMed 26633542 (cited by Labcorp Genetics (formerly Invitae), Labcorp).